The following is an entry in ClinVar:

NM_024537.4(CARS2):c.1541A>G (p.Gln514Arg)

Gene: CARS2 (cysteinyl-tRNA synthetase 2, mitochondrial; minus strand). Cytogenetic location: 13q34.
Variant type: single nucleotide variant.
Coding change: c.1541A>G on transcript NM_024537.4 (MANE Select); coding-DNA position 1541, A replaced by G.
Protein change: p.Gln514Arg; replaces glutamine 514 with arginine.
Molecular consequence: missense variant. On other transcripts: non-coding transcript variant (2).
Genome position (GRCh38, 1-based): chr13:110,642,397, T>C on the plus strand (A>G on the coding strand, the complement: CARS2 is on the minus strand). VCF-style: chr13-110642397-T-C. GRCh37 (hg19) VCF-style: chr13-111294744-T-C.
Other names: c.1541A>G (NM_024537.2); c.755A>G, p.Gln252Arg (NM_001352252.2); short protein forms Q252R, Q514R.
Identifiers: ClinVar variation 965692 (VCV000965692.6), dbSNP rs753574371, ClinGen allele CA7051611.
Genomic context (GRCh38, chr13:110,642,397, plus strand): 5'-GTCAGGCCCCGGCGCAGGGTGTCGCATGCTTCCAGCAGGGGCTGCCTTTCTAGGAGCTGC[T>C]GCCGCCGGGCGTCCCCCGTGGCCTCGGGCATGGCCAGCGCAAACTGCCGGACCTTCTGCC-3'
Protein context (NP_078813.1, residues 504-524): MPEATGDARR[Gln514Arg]QLLERQPLLE

ClinVar aggregate classification (germline): Uncertain significance. Review status: criteria provided, multiple submitters, no conflicts (2 of 4 stars). 2 submissions from 2 submitters: Uncertain significance (2). Last evaluated 2025-09-26.

Conditions:
Inborn genetic diseases. Identifiers: MedGen C0950123, MeSH D030342.
Combined oxidative phosphorylation defect type 27. Also called: Combined oxidative phosphorylation deficiency 27. Identifiers: Orphanet 477774, MedGen C5567608, MONDO:0014728, OMIM 616672.

Allele frequency attached by ClinVar (database versions not stated): gnomAD exomes 0.00001 and 0.00002; gnomAD 0.00002; TOPMed 0.00002; ExAC 0.00007.
gnomAD v4.1: 23 of 1,575,470 alleles (0.0015%); highest among the groups gnomAD compares: South Asian, 0.0058%; no homozygotes.

Submissions (2):

Ambry Genetics
Classification: Uncertain significance for Inborn genetic diseases. Last evaluated: 2025-09-26. Review status: criteria provided, single submitter. Criteria: Ambry Variant Classification Scheme 2023. Collection method: clinical testing. Allele origin: germline.

Labcorp Genetics (formerly Invitae), Labcorp
Classification: Uncertain significance for Combined oxidative phosphorylation defect type 27. Last evaluated: 2022-04-08. Review status: criteria provided, single submitter. Criteria: Invitae Variant Classification Sherloc (09022015). Collection method: clinical testing. Allele origin: germline.
Comment: This sequence change replaces glutamine, which is neutral and polar, with arginine, which is basic and polar, at codon 514 of the CARS2 protein (p.Gln514Arg). This variant is present in population databases (rs753574371, gnomAD 0.01%). This variant has not been reported in the literature in individuals affected with CARS2-related conditions. ClinVar contains an entry for this variant (Variation ID: 965692). Algorithms developed to predict the effect of missense changes on protein structure and function output the following: SIFT: "Tolerated"; PolyPhen-2: "Benign"; Align-GVGD: "Class C0". The arginine amino acid residue is found in multiple mammalian species, which suggests that this missense change does not adversely affect protein function. In summary, the available evidence is currently insufficient to determine the role of this variant in disease. Therefore, it has been classified as a Variant of Uncertain Significance.